The following is an entry in ClinVar:

ClinVar aggregate classification (germline): Uncertain significance. Review status: criteria provided, multiple submitters, no conflicts (2 of 4 stars). 2 submissions from 2 submitters: Uncertain significance (2). Last evaluated 2025-02-01.

Conditions:
Charcot-Marie-Tooth disease type 4. Also called: Charcot-Marie-Tooth disease, type IV; Charcot-Marie-Tooth, Type 4. Identifiers: Orphanet 64749, MedGen C4082197, MONDO:0018995.
Inborn genetic diseases. Identifiers: MedGen C0950123, MeSH D030342.

Allele frequency attached by ClinVar (database versions not stated): gnomAD exomes below 0.00001 and 0.00001; ExAC 0.00002; gnomAD 0.00002; TOPMed 0.00003.
gnomAD v4.1: 9 of 1,611,638 alleles (0.00056%); highest among the groups gnomAD compares: African/African-American, 0.0053%; no homozygotes.

Submissions (2):

Ambry Genetics
Classification: Uncertain significance for Inborn genetic diseases. Last evaluated: 2025-02-01. Review status: criteria provided, single submitter. Criteria: Ambry Variant Classification Scheme 2023. Collection method: clinical testing. Allele origin: germline.

Labcorp Genetics (formerly Invitae), Labcorp
Classification: Uncertain significance for Charcot-Marie-Tooth disease type 4. Last evaluated: 2021-07-26. Review status: criteria provided, single submitter. Criteria: Invitae Variant Classification Sherloc (09022015). Collection method: clinical testing. Allele origin: germline.
Comment: In summary, the available evidence is currently insufficient to determine the role of this variant in disease. Therefore, it has been classified as a Variant of Uncertain Significance. Algorithms developed to predict the effect of missense changes on protein structure and function (SIFT, PolyPhen-2, Align-GVGD) all suggest that this variant is likely to be tolerated. This variant has not been reported in the literature in individuals affected with SBF2-related conditions. This variant is present in population databases (rs750641739, ExAC 0.02%). This sequence change replaces isoleucine with valine at codon 868 of the SBF2 protein (p.Ile868Val). The isoleucine residue is moderately conserved and there is a small physicochemical difference between isoleucine and valine.

NM_030962.4(SBF2):c.2602A>G (p.Ile868Val)

Genes: SBF2 (SET binding factor 2; minus strand), LOC101928008 (uncharacterized LOC101928008; plus strand). Cytogenetic location: 11p15.4.
Variant type: single nucleotide variant.
Coding change: c.2602A>G on transcript NM_030962.4 (MANE Select); coding-DNA position 2602, A replaced by G.
Protein change: p.Ile868Val; replaces isoleucine 868 with valine.
Molecular consequence: missense variant.
Genome position (GRCh38, 1-based): chr11:9,852,684, T>C on the plus strand (A>G on the coding strand, the complement: SBF2 is on the minus strand). VCF-style: chr11-9852684-T-C. GRCh37 (hg19) VCF-style: chr11-9874231-T-C.
Other names: c.2602A>G, p.Ile868Val (NM_001386339.1); c.2473A>G, p.Ile825Val (NM_001386342.1); c.2602A>G (NM_030962.3); short protein forms I868V, I825V.
Identifiers: ClinVar variation 1489403 (VCV001489403.7), dbSNP rs750641739, ClinGen allele CA5881520.